The following is an entry in ClinVar:

ClinVar aggregate classification (germline): Likely pathogenic (1 of 4 stars; one submission).

Conditions:
Autosomal recessive limb-girdle muscular dystrophy type 2L (LGMDR12). Also called: Limb-girdle muscular dystrophy, type 2L; MUSCULAR DYSTROPHY, LIMB-GIRDLE, AUTOSOMAL RECESSIVE 12; Limb-Girdle Muscular Dystrophy R12 Anoctamin-5-Related (LGMD-R12). Identifiers: Orphanet 206549, MedGen C1969785, MONDO:0012652, OMIM 611307.

Allele frequency attached by ClinVar (database versions not stated): gnomAD 0.00001.

Submission:

MGZ Medical Genetics Center
Classification: Likely pathogenic for Autosomal recessive limb-girdle muscular dystrophy type 2L. Last evaluated: 2021-11-30. Review status: criteria provided, single submitter. Criteria: ACMG Guidelines, 2015. Collection method: clinical testing. Allele origin: germline. Affected: yes. Observed: 1 variant allele.
Comment: ACMG criteria applied: PVS1_STR, PM3, PM2_SUP, PP3

NM_213599.3(ANO5):c.294+1G>A

Gene: ANO5 (anoctamin 5; plus strand). Cytogenetic location: 11p14.3.
Variant type: single nucleotide variant.
Coding change: c.294+1G>A on transcript NM_213599.3 (MANE Select); the canonical splice donor site of the intron after coding-DNA position 294, G replaced by A.
Molecular consequence: splice donor variant.
Genome position (GRCh38, 1-based): chr11:22,221,211, G>A. VCF-style: chr11-22221211-G-A. GRCh37 (hg19) VCF-style: chr11-22242757-G-A.
Other names: c.252+1G>A (NM_001410963.1); c.291+1G>A (NM_001142649.2); c.249+1G>A (NM_001410964.1).
Identifiers: ClinVar variation 1708996 (VCV001708996.2), dbSNP rs1852640009, ClinGen allele CA379925597.
Genomic context (GRCh38, chr11:22,221,211, plus strand): 5'-CAAATTGATTTTGTGCTTTCCTACGTTGATGATGTAAAGAAAGACGCAGAGTTAAAGGCG[G>A]TAAGTGCATTATAACAGAAGTGGGAATAATAAAAAGAAGCACATTTTATAATTTCACATG-3'